The following is an entry in ClinVar:

NM_001038.6(SCNN1A):c.1554A>G (p.Arg518=)

Gene: SCNN1A (sodium channel epithelial 1 subunit alpha; minus strand). Cytogenetic location: 12p13.31.
Variant type: single nucleotide variant.
Coding change: c.1554A>G on transcript NM_001038.6 (MANE Select); coding-DNA position 1554, A replaced by G.
Protein change: p.Arg518=; no amino-acid change (arginine 518 retained).
Molecular consequence: synonymous variant.
Genome position (GRCh38, 1-based): chr12:6,348,802, T>C on the plus strand (A>G on the coding strand, the complement: SCNN1A is on the minus strand). VCF-style: chr12-6348802-T-C. GRCh37 (hg19) VCF-style: chr12-6457968-T-C.
Other names: c.1623A>G, p.Arg541= (NM_001159575.2); c.1731A>G, p.Arg577= (NM_001159576.2).
Identifiers: ClinVar variation 666751 (VCV000666751.5), dbSNP rs570566104, ClinGen allele CA6405776.

ClinVar aggregate classification (germline): Likely benign. Review status: criteria provided, multiple submitters, no conflicts (2 of 4 stars). 2 submissions from 2 submitters: Likely benign (2). Last evaluated 2022-05-06.

Conditions:
Pseudohypoaldosteronism, type IB1, autosomal recessive. Also called: Pseudohypoaldosteronism, Type I, Recessive; Pseudohypoaldosteronism, Type I, Autosomal Recessive; Autosomal recessive pseudohypoaldosteronism type 1; PHA I, AUTOSOMAL RECESSIVE. Identifiers: Orphanet 171876, Orphanet 756, MedGen C5774176, MONDO:0009917, OMIM 264350.
Bronchiectasis with or without elevated sweat chloride 2 (BESC2). Identifiers: Orphanet 60033, MedGen C2751666, MONDO:0013087, OMIM 613021.
Liddle syndrome 3. Identifiers: MedGen C4748292, MONDO:0029132, OMIM 618126.

Allele frequency attached by ClinVar (database versions not stated): ExAC 0.00002; gnomAD exomes 0.00002; gnomAD 0.00009 and 0.00010; 1000 Genomes Project 30x 0.00016; TOPMed 0.00016; 1000 Genomes Project 0.00020.

Submissions (2):

Fulgent Genetics
Classification: Likely benign for Pseudohypoaldosteronism, type IB1, autosomal recessive; Bronchiectasis with or without elevated sweat chloride 2; Liddle syndrome 3. Last evaluated: 2022-05-06. Review status: criteria provided, single submitter. Criteria: ACMG Guidelines, 2015. Collection method: clinical testing. Allele origin: unknown.

Laboratory for Molecular Medicine, Mass General Brigham Personalized Medicine
Classification: Likely benign. Last evaluated: 2018-07-05. Review status: criteria provided, single submitter. Criteria: LMM Criteria. Collection method: clinical testing. Allele origin: germline. Observed: 1 variant allele.
Comment: The p.Arg577Arg variant in SCNN1A is classified as likely benign because it does not alter an amino acid residue, it is not located within the splice consensus sequence, and splice prediction algorithms do not predict a newly created splice site. It has been identified in 6/24000 African chromosomes by the Genome Aggre gation Database (gnomAD). ACMG/AMP Criteria ap plied: BP4, BP7.